The following is an entry in ClinVar:

ClinVar aggregate classification (germline): Uncertain significance (1 of 4 stars; one submission).

Allele frequency attached by ClinVar (database versions not stated): gnomAD exomes below 0.00001; TOPMed below 0.00001; gnomAD 0.00001.
gnomAD v4.1: 3 of 1,611,322 alleles (0.00019%); highest among the groups gnomAD compares: Non-Finnish European, 0.00025%; no homozygotes.

Submission:

Labcorp Genetics (formerly Invitae), Labcorp
Classification: Uncertain significance. Last evaluated: 2021-07-09. Review status: criteria provided, single submitter. Criteria: Invitae Variant Classification Sherloc (09022015). Collection method: clinical testing. Allele origin: germline.
Comment: This sequence change replaces isoleucine with methionine at codon 1099 of the MPDZ protein (p.Ile1099Met). The isoleucine residue is moderately conserved and there is a small physicochemical difference between isoleucine and methionine. In summary, the available evidence is currently insufficient to determine the role of this variant in disease. Therefore, it has been classified as a Variant of Uncertain Significance. Algorithms developed to predict the effect of missense changes on protein structure and function output the following: SIFT: "Tolerated"; PolyPhen-2: "Benign"; Align-GVGD: "Class C0". The methionine amino acid residue is found in multiple mammalian species, which suggests that this missense change does not adversely affect protein function. This variant has not been reported in the literature in individuals affected with MPDZ-related conditions. This variant is not present in population databases (ExAC no frequency).

NM_001378778.1(MPDZ):c.3297A>G (p.Ile1099Met)

Gene: MPDZ (multiple PDZ domain crumbs cell polarity complex component; minus strand). Cytogenetic location: 9p23.
Variant type: single nucleotide variant.
Coding change: c.3297A>G on transcript NM_001378778.1 (MANE Select); coding-DNA position 3297, A replaced by G.
Protein change: p.Ile1099Met; replaces isoleucine 1099 with methionine.
Molecular consequence: missense variant. On other transcripts: intron variant (1).
Genome position (GRCh38, 1-based): chr9:13,162,753, T>C on the plus strand (A>G on the coding strand, the complement: MPDZ is on the minus strand). VCF-style: chr9-13162753-T-C. GRCh37 (hg19) VCF-style: chr9-13162752-T-C.
Other names: c.3297A>G, p.Ile1099Met (NM_001375424.1, NM_001375425.1, NM_001375426.1 and 13 more transcripts); c.3254+5613A>G (NM_001375427.1); short protein forms I1099M.
Identifiers: ClinVar variation 1496968 (VCV001496968.8), dbSNP rs1950624308, ClinGen allele CA372952181.
Genomic context (GRCh38, chr9:13,162,753, plus strand): 5'-GCCAGTGTATGAAGAAAAAATATCCAGTGCCATTACTCTTCCAGATTGTTGTCCCAAGCT[T>C]ATTTTGAACTCTTCCAAATGTTCTGCAGGCACATAAGTAATTCTGGAACAAACCAGAATC-3'
Protein context (NP_001365707.1, residues 1089-1109): VPAEHLEEFK[Ile1099Met]SLGQQSGRVM